The following is an entry in ClinVar:

NM_001267550.2(TTN):c.54314G>A (p.Arg18105His)

Genes: TTN (titin; minus strand), TTN-AS1 (TTN antisense RNA 1; plus strand). Cytogenetic location: 2q31.2.
Variant type: single nucleotide variant.
Coding change: c.54314G>A on transcript NM_001267550.2 (MANE Select); coding-DNA position 54314, G replaced by A.
Protein change: p.Arg18105His; replaces arginine 18105 with histidine.
Molecular consequence: missense variant. On other transcripts: non-coding transcript variant (1).
Genome position (GRCh38, 1-based): chr2:178,604,775, C>T on the plus strand (G>A on the coding strand, the complement: TTN is on the minus strand). VCF-style: chr2-178604775-C-T. GRCh37 (hg19) VCF-style: chr2-179469502-C-T.
Other names: c.49391G>A, p.Arg16464His (NM_001256850.1); c.27119G>A, p.Arg9040His (NM_003319.4); c.46610G>A, p.Arg15537His (NM_133378.4); c.27494G>A, p.Arg9165His (NM_133432.3); c.27695G>A, p.Arg9232His (NM_133437.4); short protein forms R18105H, R15537H, R9040H, R9232H, R16464H, R9165H.
Identifiers: ClinVar variation 467266 (VCV000467266.17), dbSNP rs760383112, ClinGen allele CA1993654.

ClinVar aggregate classification (germline): Conflicting classifications of pathogenicity. Review status: criteria provided, conflicting classifications (1 of 4 stars). 7 submissions from 7 submitters: Uncertain significance (4); Likely benign (3). Last evaluated 2026-01-01.

Conditions:
Cardiomyopathy (CMYO). Also called: Cardiomyopathies. Identifiers: Orphanet 167848, MedGen C0878544, MONDO:0004994, HP:0001638. Inheritance: Various modes of inheritance.
TTN-related disorder. Also called: TTN-related disorders; TTN-related condition; TTN-related disease.
Dilated cardiomyopathy 1G (CMD1G). Identifiers: Orphanet 154, MedGen C1858763, MONDO:0011400, OMIM 604145.
Autosomal recessive limb-girdle muscular dystrophy type 2J (LGMDR10). Also called: Limb-girdle muscular dystrophy, type 2J; MUSCULAR DYSTROPHY, LIMB-GIRDLE, AUTOSOMAL RECESSIVE 10. Identifiers: Orphanet 140922, MedGen C1837342, MONDO:0012127, OMIM 608807.

Allele frequency attached by ClinVar (database versions not stated): ExAC 0.00002; gnomAD 0.00002; gnomAD exomes 0.00002 and 0.00004; TOPMed 0.00002.
gnomAD v4.1: 27 of 1,612,142 alleles (0.0017%); highest among the groups gnomAD compares: Admixed American, 0.015%; no homozygotes.

Submissions (7):

CeGaT Center for Human Genetics Tuebingen
Classification: Uncertain significance. Last evaluated: 2026-01-01. Review status: criteria provided, single submitter. Criteria: CeGaT Center For Human Genetics Tuebingen Variant Classification Criteria Version 2. Collection method: clinical testing. Allele origin: germline. Affected: yes. Observed: 1 variant allele.
Comment: TTN: PM2

PreventionGenetics, part of Exact Sciences
Classification: Uncertain significance for TTN-related condition. Last evaluated: 2025-08-12. Review status: criteria provided, single submitter. Criteria: ACMG Guidelines, 2015. Collection method: clinical testing. Allele origin: germline.
Comment: The TTN c.54314G>A variant is predicted to result in the amino acid substitution p.Arg18105His. To our knowledge, this variant has not been reported in the literature. This variant is reported in 0.017% of alleles in individuals of Latino descent in gnomAD. At this time, the clinical significance of this variant is uncertain due to the absence of conclusive functional and genetic evidence.

CHEO Genetics Diagnostic Laboratory, Children's Hospital of Eastern Ontario
Classification: Likely benign for Cardiomyopathy. Last evaluated: 2023-01-04. Review status: criteria provided, single submitter. Criteria: ACMG Guidelines, 2015. Collection method: clinical testing. Allele origin: germline.

Blueprint Genetics
Classification: Likely benign. Last evaluated: 2022-07-01. Review status: criteria provided, single submitter. Criteria: ACMG Guidelines, 2015. Collection method: clinical testing. Allele origin: germline.

GeneDx
Classification: Likely benign. Last evaluated: 2020-01-15. Review status: criteria provided, single submitter. Criteria: GeneDx Variant Classification Process June 2021. Collection method: clinical testing. Allele origin: germline. Affected: yes.

Eurofins Ntd Llc (ga)
Classification: Uncertain significance. Last evaluated: 2017-12-28. Review status: criteria provided, single submitter. Criteria: EGL Classification Definitions 2015. Collection method: clinical testing. Allele origin: germline. Observed: 1 variant allele, 1 heterozygote.

Labcorp Genetics (formerly Invitae), Labcorp
Classification: Uncertain significance for Dilated cardiomyopathy 1G; Autosomal recessive limb-girdle muscular dystrophy type 2J. Last evaluated: 2017-07-11. Review status: criteria provided, single submitter. Criteria: Invitae Variant Classification Sherloc (09022015). Collection method: clinical testing. Allele origin: germline.